The following is an entry in ClinVar:

ClinVar aggregate classification (germline): Uncertain significance (1 of 4 stars; one submission).

Conditions:
Rubinstein-Taybi syndrome (RSTS). Identifiers: Orphanet 783, MedGen C0035934, MONDO:0019188.

Allele frequency attached by ClinVar (database versions not stated): ExAC 0.00001.
gnomAD v4.1: 1 of 1,614,072 alleles (0.000062%); highest among the groups gnomAD compares: South Asian, 0.0011%; no homozygotes.

Submission:

Labcorp Genetics (formerly Invitae), Labcorp
Classification: Uncertain significance for Rubinstein-Taybi syndrome. Last evaluated: 2023-03-26. Review status: criteria provided, single submitter. Criteria: Invitae Variant Classification Sherloc (09022015). Collection method: clinical testing. Allele origin: germline.
Comment: This variant is present in population databases (rs761992793, gnomAD 0.003%). This variant has not been reported in the literature in individuals affected with CREBBP-related conditions. Advanced modeling of protein sequence and biophysical properties (such as structural, functional, and spatial information, amino acid conservation, physicochemical variation, residue mobility, and thermodynamic stability) has been performed at Invitae for this missense variant, however the output from this modeling did not meet the statistical confidence thresholds required to predict the impact of this variant on CREBBP protein function. In summary, the available evidence is currently insufficient to determine the role of this variant in disease. Therefore, it has been classified as a Variant of Uncertain Significance. This sequence change replaces proline, which is neutral and non-polar, with serine, which is neutral and polar, at codon 2180 of the CREBBP protein (p.Pro2180Ser).

NM_004380.3(CREBBP):c.6538C>T (p.Pro2180Ser)

Gene: CREBBP (CREB binding lysine acetyltransferase; minus strand). Cytogenetic location: 16p13.3.
Variant type: single nucleotide variant.
Coding change: c.6538C>T on transcript NM_004380.3 (MANE Select); coding-DNA position 6538, C replaced by T.
Protein change: p.Pro2180Ser; replaces proline 2180 with serine.
Molecular consequence: missense variant.
Genome position (GRCh38, 1-based): chr16:3,728,509, G>A on the plus strand (C>T on the coding strand, the complement: CREBBP is on the minus strand). VCF-style: chr16-3728509-G-A. GRCh37 (hg19) VCF-style: chr16-3778510-G-A.
Other names: c.6424C>T, p.Pro2142Ser (NM_001079846.1); short protein forms P2142S, P2180S.
Identifiers: ClinVar variation 2849780 (VCV002849780.3), dbSNP rs761992793, ClinGen allele CA7869086.